The following is an entry in ClinVar:

NM_020680.4(SCYL1):c.1387-10C>G

Gene: SCYL1 (SCY1 like pseudokinase 1; plus strand). Cytogenetic location: 11q13.1.
Variant type: single nucleotide variant.
Coding change: c.1387-10C>G on transcript NM_020680.4 (MANE Select); 10 bases into the intron before coding-DNA position 1387, C replaced by G.
Molecular consequence: intron variant.
Genome position (GRCh38, 1-based): chr11:65,535,943, C>G. VCF-style: chr11-65535943-C-G. GRCh37 (hg19) VCF-style: chr11-65303414-C-G.
Other names: c.958-10C>G (NM_001425203.1, NM_001425207.1, NM_001425204.1 and 2 more transcripts); c.1132-10C>G (NM_001425199.1); c.1387-10C>G (NM_001425196.1, NM_001425188.1, NM_001425185.1 and 16 more transcripts); c.1309-10C>G (NM_001425187.1); c.1273-10C>G (NM_001425191.1); c.1303-10C>G (NM_001425189.1); c.1123-10C>G (NM_001425200.1); c.775-10C>G (NM_001425208.1, NM_001425211.1, NM_001425209.1 and 1 more transcripts); and 1 more.
Identifiers: ClinVar variation 4984627 (VCV004984627.1).
Genomic context (GRCh38, chr11:65,535,943, plus strand): 5'-TAAGGGCTGGTGGTTCTGGGTCCCAACATTGACCCTACACTCAGGAGCCCTCTTTCCTGC[C>G]CCATCGTAGACCAGACACAGGGTCCTTACCTCTGCCTTCAGCCGAGCCACTAGGGACCCG-3'

ClinVar aggregate classification (germline): Likely benign (1 of 4 stars; one submission).

Conditions:
SCYL1-related disorder. Also called: SCYL1-related condition.

gnomAD v4.1: 1 of 1,564,276 alleles (0.000064%); no homozygotes.

Submission:

PreventionGenetics, part of Exact Sciences
Classification: Likely benign for SCYL1-related condition. Last evaluated: 2025-12-26. Review status: criteria provided, single submitter. Criteria: ACMG Guidelines, 2015. Collection method: clinical testing. Allele origin: germline.
Comment: This variant is classified as likely benign based on ACMG/AMP sequence variant interpretation guidelines (Richards et al. 2015 PMID: 25741868, with internal and published modifications).